The following is an entry in ClinVar:

ClinVar aggregate classification (germline): Likely benign (1 of 4 stars; one submission).

gnomAD v4.1: 36 of 1,140,447 alleles (0.0032%); highest among the groups gnomAD compares: African/African-American, 0.0054%; no homozygotes.

Submission:

CeGaT Center for Human Genetics Tuebingen
Classification: Likely benign. Last evaluated: 2026-04-01. Review status: criteria provided, single submitter. Criteria: CeGaT Center For Human Genetics Tuebingen Variant Classification Criteria Version 2. Collection method: clinical testing. Allele origin: germline. Affected: yes. Observed: 1 variant allele.
Comment: KIF4A: BS2

NM_012310.5(KIF4A):c.1133C>T (p.Thr378Ile)

Gene: KIF4A (kinesin family member 4A; plus strand). Cytogenetic location: Xq13.1.
Variant type: single nucleotide variant.
Coding change: c.1133C>T on transcript NM_012310.5 (MANE Select); coding-DNA position 1133, C replaced by T.
Protein change: p.Thr378Ile; replaces threonine 378 with isoleucine.
Molecular consequence: missense variant.
Genome position (GRCh38, 1-based): chrX:70,333,689, C>T. VCF-style: chrX-70333689-C-T. GRCh37 (hg19) VCF-style: chrX-69553539-C-T.
Other names: short protein forms T378I.
Identifiers: ClinVar variation 4872850 (VCV004872850.2).
Genomic context (GRCh38, chrX:70,333,689, plus strand): 5'-TACAACAGCTACAAGTCTTGTTGCTACAGGCCCATGGAGGTACCCTGCCTGGATCTATAA[C>T]GTAAGAGTCATAGATTAATTTGAATTGTGTATTCTAATAGAGGCTATTTTTCCTAATAAT-3'
Protein context (NP_036442.3, residues 368-388): AHGGTLPGSI[Thr378Ile]VEPSENLQSL